The following is an entry in ClinVar:

NM_000368.5(TSC1):c.3223C>A (p.Pro1075Thr)

Gene: TSC1 (TSC complex subunit 1; minus strand). Cytogenetic location: 9q34.13.
Variant type: single nucleotide variant.
Coding change: c.3223C>A on transcript NM_000368.5 (MANE Select); coding-DNA position 3223, C replaced by A.
Protein change: p.Pro1075Thr; replaces proline 1075 with threonine.
Molecular consequence: missense variant. On other transcripts: non-coding transcript variant (5).
Genome position (GRCh38, 1-based): chr9:132,896,507, G>T on the plus strand (C>A on the coding strand, the complement: TSC1 is on the minus strand). VCF-style: chr9-132896507-G-T. GRCh37 (hg19) VCF-style: chr9-135771894-G-T.
Other names: c.2170C>A, p.Pro724Thr (NM_001406630.1, NM_001406629.1); c.3220C>A, p.Pro1074Thr (NM_001162426.2, NM_001406600.1, NM_001406597.1 and 2 more transcripts); c.2860C>A, p.Pro954Thr (NM_001406618.1, NM_001406619.1, NM_001406614.1 and 4 more transcripts); c.2857C>A, p.Pro953Thr (NM_001406620.1, NM_001406621.1, NM_001406622.1 and 1 more transcripts); c.2818C>A, p.Pro940Thr (NM_001406624.1); c.2815C>A, p.Pro939Thr (NM_001406625.1); c.2272C>A, p.Pro758Thr (NM_001406626.1); c.2269C>A, p.Pro757Thr (NM_001406627.1, NM_001406628.1); and 8 more; short protein forms P1023T, P1069T, P757T, P954T, P1009T, P1075T, P1024T, P1070T.
Identifiers: ClinVar variation 2999540 (VCV002999540.4), dbSNP rs1845058768, ClinGen allele CA375366958.

ClinVar aggregate classification (germline): Uncertain significance. Review status: criteria provided, multiple submitters, no conflicts (2 of 4 stars). 2 submissions from 2 submitters: Uncertain significance (2). Last evaluated 2026-07-07.

Conditions:
Tuberous sclerosis 1 (TSC1). Identifiers: Orphanet 805, MedGen C1854465, MONDO:0008612, OMIM 191100.
Hereditary cancer-predisposing syndrome. Also called: Hereditary Cancer Syndrome; Hereditary neoplastic syndrome; Neoplastic Syndromes, Hereditary; Tumor predisposition. Identifiers: Orphanet 140162, MedGen C0027672, MeSH D009386, MONDO:0015356.

Submissions (2):

Ambry Genetics
Classification: Uncertain significance for Hereditary cancer-predisposing syndrome. Last evaluated: 2026-07-07. Review status: criteria provided, single submitter. Criteria: Ambry Variant Classification Scheme 2023. Collection method: clinical testing. Allele origin: germline.
Comment: The p.P1075T variant (also known as c.3223C>A), located in coding exon 21 of the TSC1 gene, results from a C to A substitution at nucleotide position 3223. The proline at codon 1075 is replaced by threonine, an amino acid with highly similar properties. This amino acid position is conserved. In addition, the in silico prediction for this alteration is inconclusive. Based on the available evidence, the clinical significance of this variant remains unclear.

Labcorp Genetics (formerly Invitae), Labcorp
Classification: Uncertain significance for Tuberous sclerosis 1. Last evaluated: 2023-06-04. Review status: criteria provided, single submitter. Criteria: Invitae Variant Classification Sherloc (09022015). Collection method: clinical testing. Allele origin: germline.
Comment: In summary, the available evidence is currently insufficient to determine the role of this variant in disease. Therefore, it has been classified as a Variant of Uncertain Significance. Advanced modeling of protein sequence and biophysical properties (such as structural, functional, and spatial information, amino acid conservation, physicochemical variation, residue mobility, and thermodynamic stability) performed at Invitae indicates that this missense variant is not expected to disrupt TSC1 protein function. This variant has not been reported in the literature in individuals affected with TSC1-related conditions. This variant is not present in population databases (gnomAD no frequency). This sequence change replaces proline, which is neutral and non-polar, with threonine, which is neutral and polar, at codon 1075 of the TSC1 protein (p.Pro1075Thr).